The following is an entry in ClinVar:

ClinVar aggregate classification (germline): Conflicting classifications of pathogenicity. Review status: criteria provided, conflicting classifications (1 of 4 stars). 2 submissions from 2 submitters: Uncertain significance (1); Likely benign (1). Last evaluated 2023-11-10.

Conditions:
Methylmalonic acidemia with homocystinuria, type cblX (MAHCX). Also called: INTELLECTUAL DEVELOPMENTAL DISORDER, X-LINKED 3. Identifiers: Orphanet 369962, MedGen C0796208, MONDO:0010657, OMIM 309541.

Allele frequency attached by ClinVar (database versions not stated): gnomAD exomes below 0.00001; TOPMed 0.00002.
gnomAD v4.1: 3 of 1,197,238 alleles (0.00025%); highest among the groups gnomAD compares: African/African-American, 0.0035%; no homozygotes.

Submissions (2):

Blueprint Genetics
Classification: Likely benign. Last evaluated: 2023-11-10. Review status: criteria provided, single submitter. Criteria: ACMG Guidelines, 2015. Collection method: clinical testing. Allele origin: germline.

Labcorp Genetics (formerly Invitae), Labcorp
Classification: Uncertain significance for Methylmalonic acidemia with homocystinuria, type cblX. Last evaluated: 2023-08-24. Review status: criteria provided, single submitter. Criteria: Invitae Variant Classification Sherloc (09022015). Collection method: clinical testing. Allele origin: germline.
Comment: In summary, the available evidence is currently insufficient to determine the role of this variant in disease. Therefore, it has been classified as a Variant of Uncertain Significance. Variants that disrupt the consensus splice site are a relatively common cause of aberrant splicing (PMID: 17576681, 9536098). Algorithms developed to predict the effect of sequence changes on RNA splicing suggest that this variant is not likely to affect RNA splicing. ClinVar contains an entry for this variant (Variation ID: 956106). This variant has not been reported in the literature in individuals affected with HCFC1-related conditions. This variant is not present in population databases (gnomAD no frequency). This sequence change falls in intron 4 of the HCFC1 gene. It does not directly change the encoded amino acid sequence of the HCFC1 protein. It affects a nucleotide within the consensus splice site.

Literature cited by the submitters: PubMed 17576681 (cited by Labcorp Genetics (formerly Invitae), Labcorp); PubMed 9536098 (cited by Labcorp Genetics (formerly Invitae), Labcorp).

NM_005334.3(HCFC1):c.712+6C>T

Gene: HCFC1 (host cell factor C1; minus strand). Cytogenetic location: Xq28.
Variant type: single nucleotide variant.
Coding change: c.712+6C>T on transcript NM_005334.3 (MANE Select); 6 bases into the intron after coding-DNA position 712, C replaced by T.
Molecular consequence: intron variant.
Genome position (GRCh38, 1-based): chrX:153,963,219, G>A on the plus strand (C>T on the coding strand, the complement: HCFC1 is on the minus strand). VCF-style: chrX-153963219-G-A. GRCh37 (hg19) VCF-style: chrX-153228670-G-A.
Identifiers: ClinVar variation 956106 (VCV000956106.11), dbSNP rs1165322624, ClinGen allele CA873300476.